The following is an entry in ClinVar:

NM_001042492.3(NF1):c.3330_3333del (p.Phe1110fs)

Gene: NF1 (neurofibromin 1; plus strand). Cytogenetic location: 17q11.2.
Variant type: Deletion.
Coding change: c.3330_3333del on transcript NM_001042492.3 (MANE Select); coding-DNA positions 3330 to 3333, 4 bases deleted (TATG; older notation c.3330_3333delTATG).
Protein change: p.Phe1110fs; shifts the reading frame from phenylalanine 1110.
Molecular consequence: frameshift variant.
Genome position (GRCh38, 1-based): chr17:31,232,715-31,232,718, TATG deleted. VCF-style (leftmost placement, unchanged base first): chr17-31232714-TTATG-T. GRCh37 (hg19) VCF-style: chr17-29559732-TTATG-T.
Other names: c.3330_3333delTATG (NM_000267.3); c.3330_3333delTATG, p.Phe1110Leufs (NM_000267.4); short protein forms F1110fs.
Identifiers: ClinVar variation 1730310 (VCV001730310.2), dbSNP rs2508230498, ClinGen allele CA2580093009.

ClinVar aggregate classification (germline): Pathogenic (1 of 4 stars; one submission).

Conditions:
Hereditary cancer-predisposing syndrome. Also called: Neoplastic Syndromes, Hereditary; Tumor predisposition; Hereditary Cancer Syndrome; Hereditary neoplastic syndrome. Identifiers: Orphanet 140162, MedGen C0027672, MeSH D009386, MONDO:0015356.
Cardiovascular phenotype. Identifiers: MedGen CN230736.

Submission:

Ambry Genetics
Classification: Pathogenic for Cardiovascular phenotype; Hereditary cancer-predisposing syndrome. Last evaluated: 2021-08-31. Review status: criteria provided, single submitter. Criteria: Ambry Variant Classification Scheme 2023. Collection method: clinical testing. Allele origin: germline.
Comment: The c.3330_3333delTATG pathogenic mutation, located in coding exon 26 of the NF1 gene, results from a deletion of 4 nucleotides at nucleotide positions 3330 to 3333, causing a translational frameshift with a predicted alternate stop codon (p.F1110Lfs*4). This alteration is expected to result in loss of function by premature protein truncation or nonsense-mediated mRNA decay. As such, this alteration is interpreted as a disease-causing mutation.